The following is an entry in ClinVar:

ClinVar aggregate classification (germline): Benign/Likely benign. Review status: criteria provided, multiple submitters, no conflicts (2 of 4 stars). 2 submissions from 2 submitters: Benign (1); Likely benign (1). Last evaluated 2026-05-18.

Conditions:
Cardiovascular phenotype. Identifiers: MedGen CN230736.
Hereditary cancer-predisposing syndrome. Also called: Neoplastic Syndromes, Hereditary; Tumor predisposition; Hereditary neoplastic syndrome; Hereditary Cancer Syndrome. Identifiers: Orphanet 140162, MedGen C0027672, MeSH D009386, MONDO:0015356.
Neurofibromatosis, type 1 (NF1). Also called: VON RECKLINGHAUSEN DISEASE; NEUROFIBROMATOSIS, TYPE I, SOMATIC; Peripheral type neurofibromatosis; Neurofibromatosis, type I. Identifiers: Orphanet 636, MedGen C0027831, MONDO:0018975, OMIM 162200. Disease mechanism: loss of function.

Submissions (2):

Myriad Genetics, Inc.
Classification: Benign for Neurofibromatosis, type 1. Last evaluated: 2026-05-18. Review status: criteria provided, single submitter. Criteria: Myriad Autosomal Dominant, Autosomal Recessive and X-Linked Classification Criteria (2023). Collection method: clinical testing. Allele origin: unknown.
Comment: This variant is considered benign. This variant is a silent/synonymous amino acid change and it is not expected to impact splicing.

Ambry Genetics
Classification: Likely benign for Cardiovascular phenotype; Hereditary cancer-predisposing syndrome. Last evaluated: 2026-05-14. Review status: criteria provided, single submitter. Criteria: Ambry Variant Classification Scheme 2023. Collection method: clinical testing. Allele origin: germline.

NM_001042492.3(NF1):c.2226C>T (p.Ala742=)

Gene: NF1 (neurofibromin 1; plus strand). Cytogenetic location: 17q11.2.
Variant type: single nucleotide variant.
Coding change: c.2226C>T on transcript NM_001042492.3 (MANE Select); coding-DNA position 2226, C replaced by T.
Protein change: p.Ala742=; no amino-acid change (alanine 742 retained).
Molecular consequence: synonymous variant.
Genome position (GRCh38, 1-based): chr17:31,226,659, C>T. VCF-style: chr17-31226659-C-T. GRCh37 (hg19) VCF-style: chr17-29553677-C-T.
Other names: c.2226C>T, p.Ala742= (NM_000267.4).
Identifiers: ClinVar variation 4860970 (VCV004860970.2).